The following is an entry in ClinVar:

ClinVar aggregate classification (germline): Uncertain significance. Review status: criteria provided, multiple submitters, no conflicts (2 of 4 stars). 2 submissions from 2 submitters: Uncertain significance (2). Last evaluated 2024-01-29.

Conditions:
Inborn genetic diseases. Identifiers: MedGen C0950123, MeSH D030342.

Allele frequency attached by ClinVar (database versions not stated): TOPMed 0.00003; gnomAD exomes 0.00010; gnomAD 0.00013; 1000 Genomes Project 30x 0.00094; ExAC 0.02083.
gnomAD v4.1: 137 of 1,241,946 alleles (0.011%); highest among the groups gnomAD compares: South Asian, 0.34%; 1 homozygote.

Submissions (2):

Ambry Genetics
Classification: Uncertain significance for Inborn genetic diseases. Last evaluated: 2024-01-29. Review status: criteria provided, single submitter. Criteria: Ambry Variant Classification Scheme 2023. Collection method: clinical testing. Allele origin: germline.

Labcorp Genetics (formerly Invitae), Labcorp
Classification: Uncertain significance. Last evaluated: 2022-08-09. Review status: criteria provided, single submitter. Criteria: Invitae Variant Classification Sherloc (09022015). Collection method: clinical testing. Allele origin: germline.
Comment: This sequence change replaces serine, which is neutral and polar, with cysteine, which is neutral and slightly polar, at codon 18 of the DGAT1 protein (p.Ser18Cys). The frequency data for this variant in the population databases is considered unreliable, as metrics indicate poor data quality at this position in the gnomAD database. This variant has not been reported in the literature in individuals affected with DGAT1-related conditions. Algorithms developed to predict the effect of missense changes on protein structure and function are either unavailable or do not agree on the potential impact of this missense change (SIFT: "Tolerated"; PolyPhen-2: "Not Available"; Align-GVGD: "Class C0"). In summary, the available evidence is currently insufficient to determine the role of this variant in disease. Therefore, it has been classified as a Variant of Uncertain Significance.

NM_012079.6(DGAT1):c.52A>T (p.Ser18Cys)

Genes: DGAT1 (diacylglycerol O-acyltransferase 1; minus strand), LOC130001386 (ATAC-STARR-seq lymphoblastoid silent region 19673; plus strand). Cytogenetic location: 8q24.3.
Variant type: single nucleotide variant.
Coding change: c.52A>T on transcript NM_012079.6 (MANE Select); coding-DNA position 52, A replaced by T.
Protein change: p.Ser18Cys; replaces serine 18 with cysteine.
Molecular consequence: missense variant.
Genome position (GRCh38, 1-based): chr8:144,326,585, T>A on the plus strand (A>T on the coding strand, the complement: DGAT1 is on the minus strand). VCF-style: chr8-144326585-T-A. GRCh37 (hg19) VCF-style: chr8-145550248-T-A.
Other names: c.52A>T (NM_012079.4); short protein forms S18C.
Identifiers: ClinVar variation 2186025 (VCV002186025.2), dbSNP rs782451896, ClinGen allele CA4937155.